The following is an entry in ClinVar:

ClinVar aggregate classification (germline): Pathogenic (1 of 4 stars; one submission).

Conditions:
Epilepsy, idiopathic generalized, susceptibility to, 13. Also called: EPILEPSY, JUVENILE MYOCLONIC, SUSCEPTIBILITY TO, 5. Identifiers: Orphanet 307, Orphanet 64280, MedGen C4013473, MONDO:0012627, OMIM 611136.
Idiopathic generalized epilepsy. Also called: Generalised epilepsy; EIG. Identifiers: MedGen C0270850, MONDO:0005579, OMIM 600669.
Epilepsy, childhood absence 4 (ECA4). Also called: EPILEPSY, CHILDHOOD ABSENCE, SUSCEPTIBILITY TO, 4. Identifiers: Orphanet 307, MedGen C1970160.

Submission:

Labcorp Genetics (formerly Invitae), Labcorp
Classification: Pathogenic for Epilepsy, childhood absence 4; Epilepsy, idiopathic generalized, susceptibility to, 13; Idiopathic generalized epilepsy. Last evaluated: 2022-08-01. Review status: criteria provided, single submitter. Criteria: Invitae Variant Classification Sherloc (09022015). Collection method: clinical testing. Allele origin: germline.
Comment: This variant has not been reported in the literature in individuals affected with GABRA1-related conditions. For these reasons, this variant has been classified as Pathogenic. This sequence change creates a premature translational stop signal (p.Ala327Aspfs*2) in the GABRA1 gene. It is expected to result in an absent or disrupted protein product. Loss-of-function variants in GABRA1 are known to be pathogenic (PMID: 16718694). This variant is not present in population databases (gnomAD no frequency).

Literature cited by the submitters: PubMed 16718694.

NM_001127644.2(GABRA1):c.978_982del (p.Ala327fs)

Gene: GABRA1 (gamma-aminobutyric acid type A receptor subunit alpha1; plus strand). Cytogenetic location: 5q34.
Variant type: Deletion.
Coding change: c.978_982del on transcript NM_001127644.2 (MANE Select); coding-DNA positions 978 to 982, 5 bases deleted (AGCTC; older notation c.978_982delAGCTC).
Protein change: p.Ala327fs; shifts the reading frame from alanine 327.
Molecular consequence: frameshift variant.
Genome position (GRCh38, 1-based): chr5:161,895,787-161,895,791, AGCTC deleted; deleting any 5 consecutive bases within chr5:161,895,784-161,895,791 gives the same sequence; the c. name uses the placement nearest the transcript's 3' end. VCF-style (leftmost placement, unchanged base first): chr5-161895783-TCTCAG-T. GRCh37 (hg19) VCF-style: chr5-161322789-TCTCAG-T.
Other names: c.978_982del, p.Ala327fs (NM_000806.5, NM_001127643.2, NM_001127645.2 and 1 more transcripts); short protein forms A327fs.
Identifiers: ClinVar variation 2020265 (VCV002020265.4), dbSNP rs2532292255, ClinGen allele CA2580073992.